The following is an entry in ClinVar:

NM_000090.4(COL3A1):c.4306G>C (p.Ala1436Pro)

Gene: COL3A1 (collagen type III alpha 1 chain; plus strand). Cytogenetic location: 2q32.2.
Variant type: single nucleotide variant.
Coding change: c.4306G>C on transcript NM_000090.4 (MANE Select); coding-DNA position 4306, G replaced by C.
Protein change: p.Ala1436Pro; replaces alanine 1436 with proline.
Molecular consequence: missense variant.
Genome position (GRCh38, 1-based): chr2:189,011,679, G>C. VCF-style: chr2-189011679-G-C. GRCh37 (hg19) VCF-style: chr2-189876405-G-C.
Other names: short protein forms A1436P.
Identifiers: ClinVar variation 1004599 (VCV001004599.23), dbSNP rs148015311, ClinGen allele CA076564.

ClinVar aggregate classification (germline): Uncertain significance. Review status: criteria provided, multiple submitters, no conflicts (2 of 4 stars). 9 submissions from 9 submitters: Uncertain significance (9). Last evaluated 2026-08-23.

Conditions:
Familial thoracic aortic aneurysm and aortic dissection (TAAD). Also called: Thoracic aortic aneurysms and dissections. Identifiers: Orphanet 91387, MedGen C4707243, MONDO:0019625.
Ehlers-Danlos syndrome, type 4 (EDSVASC). Also called: Ehlers-Danlos syndrome vascular type; Ehlers Danlos syndrome, ecchymotic type; Ehlers Danlos syndrome, arterial type; Ehlers Danlos syndrome, Sack-Barabas type; Ehlers-Danlos Syndrome Type IV. Identifiers: Orphanet 286, MedGen C0268338, MONDO:0017314, OMIM 130050.

Allele frequency attached by ClinVar (database versions not stated): TOPMed 0.00002.
gnomAD v4.1: 31 of 1,613,886 alleles (0.0019%); highest among the groups gnomAD compares: Non-Finnish European, 0.0026%; no homozygotes.

Submissions (9):

Ambry Genetics
Classification: Uncertain significance for Familial thoracic aortic aneurysm and aortic dissection. Last evaluated: 2026-08-23. Review status: criteria provided, single submitter. Criteria: Ambry Variant Classification Scheme 2023. Collection method: clinical testing. Allele origin: germline.

Women's Health and Genetics/Laboratory Corporation of America, LabCorp
Classification: Uncertain significance. Last evaluated: 2026-04-20. Review status: criteria provided, single submitter. Criteria: LabCorp Variant Classification Summary - May 2015. Collection method: clinical testing. Allele origin: germline.
Comment: Variant summary: COL3A1 c.4306G>C (p.Ala1436Pro) results in a non-conservative amino acid change in the encoded protein sequence. Algorithms developed to predict the effect of missense changes on protein structure and function are either unavailable or do not agree on the potential impact of this missense change. The variant allele was found at a frequency of 8e-06 in 251334 control chromosomes. The available data on variant occurrences in the general population are insufficient to allow any conclusion about variant significance. To our knowledge, no occurrence of c.4306G>C in individuals affected with COL3A1-related conditions and no experimental evidence demonstrating its impact on protein function have been reported. ClinVar contains an entry for this variant (Variation ID: 1004599). Based on the evidence outlined above, the variant was classified as uncertain significance.

Labcorp Genetics (formerly Invitae), Labcorp
Classification: Uncertain significance for Ehlers-Danlos syndrome, type 4. Last evaluated: 2026-01-18. Review status: criteria provided, single submitter. Criteria: Invitae Variant Classification Sherloc (09022015). Collection method: clinical testing. Allele origin: germline.
Comment: This sequence change replaces alanine, which is neutral and non-polar, with proline, which is neutral and non-polar, at codon 1436 of the COL3A1 protein (p.Ala1436Pro). This variant is present in population databases (rs148015311, gnomAD 0.0009%). This variant has not been reported in the literature in individuals affected with COL3A1-related conditions. ClinVar contains an entry for this variant (Variation ID: 1004599). Invitae Evidence Modeling of protein sequence and biophysical properties (such as structural, functional, and spatial information, amino acid conservation, physicochemical variation, residue mobility, and thermodynamic stability) indicates that this missense variant is not expected to disrupt COL3A1 protein function with a negative predictive value of 95%. In summary, the available evidence is currently insufficient to determine the role of this variant in disease. Therefore, it has been classified as a Variant of Uncertain Significance.

ARUP Laboratories, Molecular Genetics and Genomics, ARUP Laboratories
Classification: Uncertain significance. Last evaluated: 2025-01-27. Review status: criteria provided, single submitter. Criteria: ARUP Molecular Germline Variant Investigation Process 2024. Collection method: clinical testing. Allele origin: germline.
Comment: The COL3A1 c.4306G>C; p.Ala1436Pro variant (rs148015311), to our knowledge, is not reported in the medical literature in COL3A1-related conditions but is reported in ClinVar (Variation ID: 1004599). This variant is only observed on two alleles in the Genome Aggregation Database (v2.1.1), indicating it is not a common polymorphism. Computational analyses are uncertain whether this variant is neutral or deleterious (REVEL: 0.341). Due to limited information, the clinical significance of this variant is uncertain at this time.

All of Us Research Program, National Institutes of Health
Classification: Uncertain significance for Ehlers-Danlos syndrome, type 4. Last evaluated: 2024-07-20. Review status: criteria provided, single submitter. Criteria: ACMG Guidelines, 2015. Collection method: clinical testing. Allele origin: germline. Inheritance: Autosomal dominant inheritance. Observed: 11 variant alleles, 11 heterozygotes.
Comment: This missense variant replaces alanine with proline at codon 1436 of the COL3A1 protein. Computational prediction suggests that this variant may not impact protein structure and function (internally defined REVEL score threshold <= 0.5, PMID: 27666373). To our knowledge, functional studies have not been reported for this variant. This variant has not been reported in individuals affected with cardiovascular disorders in the literature. This variant has been identified in 2/251334 chromosomes in the general population by the Genome Aggregation Database (gnomAD). The available evidence is insufficient to determine the role of this variant in disease conclusively. Therefore, this variant is classified as a Variant of Uncertain Significance.

This study involves interpretation of variants in research participants for the purpose of population health screening. Participant phenotype was not available at the time of variant classification. Additional details can be found in publication PMID: 35346344, PMCID: PMC8962531

Color Diagnostics, LLC DBA Color Health
Classification: Uncertain significance for Familial thoracic aortic aneurysm and aortic dissection. Last evaluated: 2024-07-12. Review status: criteria provided, single submitter. Criteria: ACMG Guidelines, 2015. Collection method: clinical testing. Allele origin: germline.
Comment: This missense variant replaces alanine with proline at codon 1436 of the COL3A1 protein. Computational prediction tools indicate that this variant has a neutral impact on protein structure and function. To our knowledge, functional studies have not been reported for this variant. This variant has not been reported in individuals affected with COL3A1-related disorders in the literature. This variant has been identified in 2/251334 chromosomes in the general population by the Genome Aggregation Database (gnomAD). The available evidence is insufficient to determine the role of this variant in disease conclusively. Therefore, this variant is classified as a Variant of Uncertain Significance.

Blueprint Genetics
Classification: Uncertain significance. Last evaluated: 2023-01-04. Review status: criteria provided, single submitter. Criteria: ACMG Guidelines, 2015. Collection method: clinical testing. Allele origin: germline.

CHEO Genetics Diagnostic Laboratory, Children's Hospital of Eastern Ontario
Classification: Uncertain significance for Familial thoracic aortic aneurysm and aortic dissection. Last evaluated: 2022-11-14. Review status: criteria provided, single submitter. Criteria: ACMG Guidelines, 2015. Collection method: clinical testing. Allele origin: germline.

GeneDx
Classification: Uncertain significance. Last evaluated: 2021-05-12. Review status: criteria provided, single submitter. Criteria: GeneDx Variant Classification Process June 2021. Collection method: clinical testing. Allele origin: germline. Affected: yes.
Comment: Has not been previously published as pathogenic or benign to our knowledge; Reported in ClinVar as a variant of uncertain significance (ClinVar Variant ID# 1004599; Landrum et al., 2016); Not observed at a significant frequency in large population cohorts (Lek et al., 2016); In silico analysis supports that this missense variant does not alter protein structure/function; Not located in the triple helical region, where the majority of pathogenic missense variants occur (Stenson et al., 2014); This variant is associated with the following publications: (PMID: 25846194)